The following is an entry in ClinVar:

ClinVar aggregate classification (germline): Uncertain significance (1 of 4 stars; one submission).

Submission:

Labcorp Genetics (formerly Invitae), Labcorp
Classification: Uncertain significance. Last evaluated: 2024-09-23. Review status: criteria provided, single submitter. Criteria: Invitae Variant Classification Sherloc (09022015). Collection method: clinical testing. Allele origin: germline.
Comment: This sequence change replaces alanine, which is neutral and non-polar, with glycine, which is neutral and non-polar, at codon 420 of the PPP1R15B protein (p.Ala420Gly). This variant is not present in population databases (gnomAD no frequency). This variant has not been reported in the literature in individuals affected with PPP1R15B-related conditions. Invitae Evidence Modeling of protein sequence and biophysical properties (such as structural, functional, and spatial information, amino acid conservation, physicochemical variation, residue mobility, and thermodynamic stability) indicates that this missense variant is expected to disrupt PPP1R15B protein function with a positive predictive value of 80%. In summary, the available evidence is currently insufficient to determine the role of this variant in disease. Therefore, it has been classified as a Variant of Uncertain Significance.

NM_032833.5(PPP1R15B):c.1259C>G (p.Ala420Gly)

Gene: PPP1R15B (protein phosphatase 1 regulatory subunit 15B; minus strand). Cytogenetic location: 1q32.1.
Variant type: single nucleotide variant.
Coding change: c.1259C>G on transcript NM_032833.5 (MANE Select); coding-DNA position 1259, C replaced by G.
Protein change: p.Ala420Gly; replaces alanine 420 with glycine.
Molecular consequence: missense variant.
Genome position (GRCh38, 1-based): chr1:204,410,153, G>C on the plus strand (C>G on the coding strand, the complement: PPP1R15B is on the minus strand). VCF-style: chr1-204410153-G-C. GRCh37 (hg19) VCF-style: chr1-204379281-G-C.
Other names: short protein forms A420G.
Identifiers: ClinVar variation 3681100 (VCV003681100.2).